The following is an entry in ClinVar:

ClinVar aggregate classification (germline): Uncertain significance (1 of 4 stars; one submission).

Conditions:
Camptomelic dysplasia (CMPD). Also called: CMPD1/SRA1; Campomelic Dysplasia. Identifiers: Orphanet 140, MedGen C1861922, MONDO:0007251, OMIM 114290.

gnomAD v4.1: 6 of 1,611,758 alleles (0.00037%); highest among the groups gnomAD compares: Admixed American, 0.0033%; no homozygotes.

Submission:

Labcorp Genetics (formerly Invitae), Labcorp
Classification: Uncertain significance for Camptomelic dysplasia. Last evaluated: 2024-12-18. Review status: criteria provided, single submitter. Criteria: Invitae Variant Classification Sherloc (09022015). Collection method: clinical testing. Allele origin: germline.
Comment: This sequence change replaces glycine, which is neutral and non-polar, with aspartic acid, which is acidic and polar, at codon 317 of the SOX9 protein (p.Gly317Asp). The frequency data for this variant in the population databases is considered unreliable, as metrics indicate poor data quality at this position in the gnomAD database. This variant has not been reported in the literature in individuals affected with SOX9-related conditions. Invitae Evidence Modeling of protein sequence and biophysical properties (such as structural, functional, and spatial information, amino acid conservation, physicochemical variation, residue mobility, and thermodynamic stability) has been performed for this missense variant. However, the output from this modeling did not meet the statistical confidence thresholds required to predict the impact of this variant on SOX9 protein function. In summary, the available evidence is currently insufficient to determine the role of this variant in disease. Therefore, it has been classified as a Variant of Uncertain Significance.

NM_000346.4(SOX9):c.950G>A (p.Gly317Asp)

Gene: SOX9 (SRY-box transcription factor 9; plus strand). Cytogenetic location: 17q24.3.
Variant type: single nucleotide variant.
Coding change: c.950G>A on transcript NM_000346.4 (MANE Select); coding-DNA position 950, G replaced by A.
Protein change: p.Gly317Asp; replaces glycine 317 with aspartic acid.
Molecular consequence: missense variant.
Genome position (GRCh38, 1-based): chr17:72,123,807, G>A. VCF-style: chr17-72123807-G-A. GRCh37 (hg19) VCF-style: chr17-70119948-G-A.
Other names: short protein forms G317D.
Identifiers: ClinVar variation 3712318 (VCV003712318.2).